The following is an entry in ClinVar:

NC_000022.10:g.(?_24129357)_(24135885_?)del

Gene: SMARCB1 (SWI/SNF related BAF chromatin remodeling complex subunit B1; plus strand). Cytogenetic location: 22q11.23.
Variant type: Deletion.
Identifiers: ClinVar variation 3248101 (VCV003248101.1).

ClinVar aggregate classification (germline): Pathogenic (1 of 4 stars; one submission).

Submission:

Labcorp Genetics (formerly Invitae), Labcorp
Classification: Pathogenic. Last evaluated: 2022-12-04. Review status: criteria provided, single submitter. Criteria: Invitae Variant Classification Sherloc (09022015). Collection method: clinical testing. Allele origin: unknown.
Comment: For these reasons, this variant has been classified as Pathogenic. This variant has not been reported in the literature in individuals affected with SMARCB1-related conditions. This variant is a gross deletion of the genomic region encompassing exon(s) 1-3 of the SMARCB1 gene, which includes the initiator codon. This deletion extends beyond the assayed region for this gene and therefore may encompass additional genes. It is expected to result in an absent or disrupted protein product. Loss-of-function variants in SMARCB1 are known to be pathogenic (PMID: 10521299, 21208904).

Literature cited by the submitters: PubMed 10521299; PubMed 21208904.